The following is an entry in ClinVar:

NM_001244710.2(GFPT1):c.239A>G (p.Asp80Gly)

Gene: GFPT1 (glutamine--fructose-6-phosphate transaminase 1; minus strand). Cytogenetic location: 2p13.3.
Variant type: single nucleotide variant.
Coding change: c.239A>G on transcript NM_001244710.2 (MANE Select); coding-DNA position 239, A replaced by G.
Protein change: p.Asp80Gly; replaces aspartic acid 80 with glycine.
Molecular consequence: missense variant.
Genome position (GRCh38, 1-based): chr2:69,363,655, T>C on the plus strand (A>G on the coding strand, the complement: GFPT1 is on the minus strand). VCF-style: chr2-69363655-T-C. GRCh37 (hg19) VCF-style: chr2-69590787-T-C.
Other names: c.239A>G, p.Asp80Gly (NM_002056.4); short protein forms D80G.
Identifiers: ClinVar variation 969711 (VCV000969711.8), dbSNP rs1671535131, ClinGen allele CA347133815.
Genomic context (GRCh38, chr2:69,363,655, plus strand): 5'-CCATGTGTTGCCCAACGGGTATGAGCTATTCCAAGGTGTACATCAAATTCTATATCCAAA[T>C]CCATATCTTGTTGCTCTGAAGAATATGAAAAGAAAAATTTCAATATTAAATCATGCTGCA-3'
Protein context (NP_001231639.1, residues 70-90): DEEVHKQQDM[Asp80Gly]LDIEFDVHLG

ClinVar aggregate classification (germline): Uncertain significance (1 of 4 stars; one submission).

Conditions:
Congenital myasthenic syndrome 12 (CMS12). Also called: MYASTHENIC SYNDROME, CONGENITAL, WITH TUBULAR AGGREGATES 1; Myasthenia, congenital, 12, with tubular aggregates. Identifiers: Orphanet 353327, Orphanet 590, MedGen C3552335, MONDO:0012518, OMIM 610542.

Allele frequency attached by ClinVar (database versions not stated): gnomAD exomes below 0.00001.
gnomAD v4.1: 11 of 1,606,666 alleles (0.00068%); highest among the groups gnomAD compares: Non-Finnish European, 0.00051%; no homozygotes.

Submission:

Labcorp Genetics (formerly Invitae), Labcorp
Classification: Uncertain significance for Congenital myasthenic syndrome 12. Last evaluated: 2022-08-09. Review status: criteria provided, single submitter. Criteria: Invitae Variant Classification Sherloc (09022015). Collection method: clinical testing. Allele origin: germline.
Comment: In summary, the available evidence is currently insufficient to determine the role of this variant in disease. Therefore, it has been classified as a Variant of Uncertain Significance. Algorithms developed to predict the effect of missense changes on protein structure and function are either unavailable or do not agree on the potential impact of this missense change (SIFT: "Deleterious"; PolyPhen-2: "Possibly Damaging"; Align-GVGD: "Class C0"). ClinVar contains an entry for this variant (Variation ID: 969711). This variant has not been reported in the literature in individuals affected with GFPT1-related conditions. This variant is not present in population databases (gnomAD no frequency). This sequence change replaces aspartic acid, which is acidic and polar, with glycine, which is neutral and non-polar, at codon 80 of the GFPT1 protein (p.Asp80Gly).